The following is an entry in ClinVar:

NM_018451.5(CPAP):c.2863G>T (p.Glu955Ter)

Gene: CPAP (centrosome assembly and centriole elongation protein; minus strand). Cytogenetic location: 13q12.12.
Variant type: single nucleotide variant.
Coding change: c.2863G>T on transcript NM_018451.5 (MANE Select); coding-DNA position 2863, G replaced by T.
Protein change: p.Glu955Ter; replaces glutamic acid 955 with a stop codon.
Molecular consequence: nonsense. On other transcripts: non-coding transcript variant (2).
Genome position (GRCh38, 1-based): chr13:24,899,547, C>A on the plus strand (G>T on the coding strand, the complement: CPAP is on the minus strand). VCF-style: chr13-24899547-C-A. GRCh37 (hg19) VCF-style: chr13-25473685-C-A.
Other names: short protein forms E955*.
Identifiers: ClinVar variation 1676662 (VCV001676662.5), dbSNP rs1053431940, ClinGen allele CA247072125.

ClinVar aggregate classification (germline): Pathogenic/Likely pathogenic. Review status: criteria provided, multiple submitters, no conflicts (2 of 4 stars). 2 submissions from 2 submitters: Pathogenic (1); Likely pathogenic (1). Last evaluated 2025-10-07.

Conditions:
Microcephaly 6, primary, autosomal recessive. Identifiers: Orphanet 2512, MedGen C1842109, MONDO:0012029, OMIM 608393.

gnomAD v4.1: 2 of 1,613,914 alleles (0.00012%); highest among the groups gnomAD compares: East Asian, 0.0045%; no homozygotes.

Submissions (2):

Labcorp Genetics (formerly Invitae), Labcorp
Classification: Pathogenic. Last evaluated: 2025-10-07. Review status: criteria provided, single submitter. Criteria: Invitae Variant Classification Sherloc (09022015). Collection method: clinical testing. Allele origin: germline.
Comment: This sequence change creates a premature translational stop signal (p.Glu955*) in the CENPJ gene. It is expected to result in an absent or disrupted protein product. Loss-of-function variants in CENPJ are known to be pathogenic (PMID: 15793586, 16900296, 20522431). This variant is not present in population databases (gnomAD no frequency). This variant has not been reported in the literature in individuals affected with CENPJ-related conditions. ClinVar contains an entry for this variant (Variation ID: 1676662). For these reasons, this variant has been classified as Pathogenic.

Dasa
Classification: Likely pathogenic for Microcephaly 6, primary, autosomal recessive. Last evaluated: 2022-04-10. Review status: criteria provided, single submitter. Criteria: ACMG Guidelines, 2015. Collection method: clinical testing. Allele origin: germline. Affected: yes. Observed: 2 variant alleles.
Comment: The c.2863G>T;p.(Glu955*) variant creates a premature translational stop signal in the CENPJ gene. It is expected to result in an absent or disrupted protein product -PVS1. This variant is not present in population databases (rs1053431940- gnomAD; ABraOM no frequency) - PM2. In summary, the currently available evidence indicates that the variant is likely pathogenic.

Literature cited by the submitters: PubMed 15793586 (cited by Labcorp Genetics (formerly Invitae), Labcorp); PubMed 16900296 (cited by Labcorp Genetics (formerly Invitae), Labcorp); PubMed 20522431 (cited by Labcorp Genetics (formerly Invitae), Labcorp).